The following is an entry in ClinVar:

NM_000038.6(APC):c.7703G>C (p.Gly2568Ala)

Gene: APC (APC regulator of Wnt signaling pathway; plus strand). Cytogenetic location: 5q22.2.
Variant type: single nucleotide variant.
Coding change: c.7703G>C on transcript NM_000038.6 (MANE Select); coding-DNA position 7703, G replaced by C.
Protein change: p.Gly2568Ala; replaces glycine 2568 with alanine.
Molecular consequence: missense variant.
Genome position (GRCh38, 1-based): chr5:112,843,297, G>C. VCF-style: chr5-112843297-G-C. GRCh37 (hg19) VCF-style: chr5-112178994-G-C.
Other names: c.7703G>C, p.Gly2568Ala (NM_001127510.3, NM_001354895.2); c.7649G>C, p.Gly2550Ala (NM_001127511.3); c.7757G>C, p.Gly2586Ala (NM_001354896.2); c.7733G>C, p.Gly2578Ala (NM_001354897.2); c.7628G>C, p.Gly2543Ala (NM_001354898.2); c.7619G>C, p.Gly2540Ala (NM_001354899.2); c.7580G>C, p.Gly2527Ala (NM_001354900.2); c.7526G>C, p.Gly2509Ala (NM_001354901.2); and 5 more; short protein forms G2408A, G2509A, G2568A, G2442A, G2477A, G2540A, G2543A, G2550A.
Identifiers: ClinVar variation 648441 (VCV000648441.17), dbSNP rs914790261, ClinGen allele CA16038064.

ClinVar aggregate classification (germline): Uncertain significance. Review status: criteria provided, multiple submitters, no conflicts (2 of 4 stars). 3 submissions from 3 submitters: Uncertain significance (3). Last evaluated 2025-03-14.

Conditions:
Familial adenomatous polyposis 1 (FAP1). Also called: FAMILIAL ADENOMATOUS POLYPOSIS 1, ATTENUATED; POLYPOSIS, ADENOMATOUS INTESTINAL. Identifiers: MedGen C2713442, MONDO:0021056, OMIM 175100. Disease mechanism: loss of function.
Hereditary cancer-predisposing syndrome. Also called: Neoplastic Syndromes, Hereditary; Tumor predisposition; Hereditary Cancer Syndrome; Hereditary neoplastic syndrome. Identifiers: Orphanet 140162, MedGen C0027672, MeSH D009386, MONDO:0015356.

Allele frequency attached by ClinVar (database versions not stated): TOPMed 0.00001.

Submissions (3):

Institute for Biomarker Research, Medical Diagnostic Laboratories, L.L.C.
Classification: Uncertain significance for Hereditary cancer-predisposing syndrome. Last evaluated: 2025-03-14. Review status: criteria provided, single submitter. Criteria: ACMG Guidelines, 2015. Collection method: clinical testing. Allele origin: germline.
Comment: The missense variant NM_000038.6(APC):c.7703G>C (p.Gly2568Ala) has not been reported previously as a pathogenic variant nor as a benign variant, to our knowledge. The p.Gly2568Ala missense variant is predicted to be damaging by both SIFT and PolyPhen2. The glycine residue at codon 2568 of APC is conserved in all mammalian species. The nucleotide c.7703 in APC is predicted conserved by GERP++ and PhyloP across 100 vertebrates. For these reasons, this variant has been classified as Uncertain Significance

Labcorp Genetics (formerly Invitae), Labcorp
Classification: Uncertain significance for Familial adenomatous polyposis 1. Last evaluated: 2024-09-08. Review status: criteria provided, single submitter. Criteria: Invitae Variant Classification Sherloc (09022015). Collection method: clinical testing. Allele origin: germline.
Comment: This sequence change replaces glycine, which is neutral and non-polar, with alanine, which is neutral and non-polar, at codon 2568 of the APC protein (p.Gly2568Ala). This variant is not present in population databases (gnomAD no frequency). This variant has not been reported in the literature in individuals affected with APC-related conditions. ClinVar contains an entry for this variant (Variation ID: 648441). Invitae Evidence Modeling of protein sequence and biophysical properties (such as structural, functional, and spatial information, amino acid conservation, physicochemical variation, residue mobility, and thermodynamic stability) indicates that this missense variant is not expected to disrupt APC protein function with a negative predictive value of 95%. In summary, the available evidence is currently insufficient to determine the role of this variant in disease. Therefore, it has been classified as a Variant of Uncertain Significance.

Ambry Genetics
Classification: Uncertain significance for Hereditary cancer-predisposing syndrome. Last evaluated: 2018-11-29. Review status: criteria provided, single submitter. Criteria: Ambry Variant Classification Scheme 2023. Collection method: clinical testing. Allele origin: germline.
Comment: The p.G2568A variant (also known as c.7703G>C), located in coding exon 15 of the APC gene, results from a G to C substitution at nucleotide position 7703. The glycine at codon 2568 is replaced by alanine, an amino acid with similar properties. This amino acid position is highly conserved in available vertebrate species. In addition, in silico predictors for this gene do not accurately predict pathogenicity. Since supporting evidence is limited at this time, the clinical significance of this alteration remains unclear.